The following is an entry in ClinVar:

NM_001384317.1(ZHX3):c.2540G>A (p.Arg847Gln)

Gene: ZHX3 (zinc fingers and homeoboxes 3; minus strand). Cytogenetic location: 20q12.
Variant type: single nucleotide variant.
Coding change: c.2540G>A on transcript NM_001384317.1 (MANE Select); coding-DNA position 2540, G replaced by A.
Protein change: p.Arg847Gln; replaces arginine 847 with glutamine.
Molecular consequence: missense variant.
Genome position (GRCh38, 1-based): chr20:41,202,377, C>T on the plus strand (G>A on the coding strand, the complement: ZHX3 is on the minus strand). VCF-style: chr20-41202377-C-T. GRCh37 (hg19) VCF-style: chr20-39831017-C-T.
Other names: c.2540G>A, p.Arg847Gln (NM_001384320.1, NM_001384321.1, NM_001384322.1 and 8 more transcripts); short protein forms R847Q.
Identifiers: ClinVar variation 3723777 (VCV003723777.2).

ClinVar aggregate classification (germline): Uncertain significance (1 of 4 stars; one submission).

gnomAD v4.1: 56 of 1,614,144 alleles (0.0035%); highest among the groups gnomAD compares: Admixed American, 0.022%; no homozygotes.

Submission:

Labcorp Genetics (formerly Invitae), Labcorp
Classification: Uncertain significance. Last evaluated: 2024-05-09. Review status: criteria provided, single submitter. Criteria: Invitae Variant Classification Sherloc (09022015). Collection method: clinical testing. Allele origin: germline.
Comment: This sequence change replaces arginine, which is basic and polar, with glutamine, which is neutral and polar, at codon 847 of the ZHX3 protein (p.Arg847Gln). This variant is present in population databases (rs191475189, gnomAD 0.006%). This missense change has been observed in individual(s) with hypertriglyceridemia (PMID: 22135386). This variant is also known as c.2918G>A. An algorithm developed to predict the effect of missense changes on protein structure and function (PolyPhen-2) suggests that this variant is likely to be tolerated. In summary, the available evidence is currently insufficient to determine the role of this variant in disease. Therefore, it has been classified as a Variant of Uncertain Significance.

Literature cited by the submitters: PubMed 22135386.